The following is an entry in ClinVar:

ClinVar aggregate classification (germline): Benign (1 of 4 stars; one submission).

Conditions:
Wolfram syndrome 1 (WFS1). Identifiers: Orphanet 3463, MedGen C4551693, MONDO:0009101, OMIM 222300.

Allele frequency attached by ClinVar (database versions not stated): ExAC 0.00004.

Submission:

Clinical Genomics, Uppaluri K&H Personalized Medicine Clinic
Classification: Benign for Wolfram syndrome 1. Review status: criteria provided, single submitter. Criteria: K & H Uppaluri Personalized Medicine Clinic Variant Classification & Assertion Criteria_Updated V.1. Collection method: research. Allele origin: unknown. Inheritance: Autosomal recessive inheritance.
Comment: Potent mutations in WFS1 gene are associated with Wolfram's syndrome, an autosomal recessive condition, which cause diabetes mellitus, diabetes insipidus, deafness and optic atrophy.However no sufficient evidence is found to ascertain the role of this particular variant rs762770133 in Wolfram's syndrome yet.

Literature cited by the submitters: PubMed 20738327; PubMed 33879153; PubMed 12955714; PubMed 18060660; PubMed 20301750; PubMed 17603484.

NM_006005.3(WFS1):c.837T>G (p.Pro279=)

Gene: WFS1 (wolframin ER transmembrane glycoprotein; plus strand). Cytogenetic location: 4p16.1.
Variant type: single nucleotide variant.
Coding change: c.837T>G on transcript NM_006005.3 (MANE Select); coding-DNA position 837, T replaced by G.
Protein change: p.Pro279=; no amino-acid change (proline 279 retained).
Molecular consequence: synonymous variant.
Genome position (GRCh38, 1-based): chr4:6,295,165, T>G. VCF-style: chr4-6295165-T-G. GRCh37 (hg19) VCF-style: chr4-6296892-T-G.
Other names: c.837T>G, p.Pro279= (NM_001145853.1).
Identifiers: ClinVar variation 1810362 (VCV001810362.1), dbSNP rs762770133, ClinGen allele CA2839077.
Genomic context (GRCh38, chr4:6,295,165, plus strand): 5'-CCCCAGCAGCCTGTTCCTGCAGGACGACGAAGATGATGACGAGCTGGCGGGGAAGAGCCC[T>G]GAGGACCTGCCACTGCGTCTGAAGGTGAGTGACCAAGACCCCGGTCAGGCCGGAGCCTGC-3'
Protein context (NP_005996.2, residues 269-289): EDDDELAGKS[Pro279=]EDLPLRLKVV